The following is an entry in ClinVar:

ClinVar aggregate classification (germline): Uncertain significance (1 of 4 stars; one submission).

Conditions:
Microcephaly-intellectual disability-sensorineural hearing loss-epilepsy-abnormal muscle tone syndrome (NEDHSB). Also called: NEURODEVELOPMENTAL DISORDER WITH HEARING LOSS, SEIZURES, AND BRAIN ABNORMALITIES. Identifiers: Orphanet 457351, MedGen C4225276, MONDO:0014698, OMIM 616577.

Submission:

Labcorp Genetics (formerly Invitae), Labcorp
Classification: Uncertain significance for Microcephaly-intellectual disability-sensorineural hearing loss-epilepsy-abnormal muscle tone syndrome. Last evaluated: 2022-03-19. Review status: criteria provided, single submitter. Criteria: Invitae Variant Classification Sherloc (09022015). Collection method: clinical testing. Allele origin: germline.
Comment: Advanced modeling of protein sequence and biophysical properties (such as structural, functional, and spatial information, amino acid conservation, physicochemical variation, residue mobility, and thermodynamic stability) performed at Invitae indicates that this missense variant is expected to disrupt SPATA5 protein function. This variant has not been reported in the literature in individuals affected with SPATA5-related conditions. This variant is not present in population databases (gnomAD no frequency). This sequence change replaces cysteine, which is neutral and slightly polar, with arginine, which is basic and polar, at codon 81 of the SPATA5 protein (p.Cys81Arg). In summary, the available evidence is currently insufficient to determine the role of this variant in disease. Therefore, it has been classified as a Variant of Uncertain Significance.

NM_145207.3(AFG2A):c.241T>C (p.Cys81Arg)

Gene: AFG2A (AAA ATPase AFG2A; plus strand). Cytogenetic location: 4q28.1.
Variant type: single nucleotide variant.
Coding change: c.241T>C on transcript NM_145207.3 (MANE Select); coding-DNA position 241, T replaced by C.
Protein change: p.Cys81Arg; replaces cysteine 81 with arginine.
Molecular consequence: missense variant.
Genome position (GRCh38, 1-based): chr4:122,927,711, T>C. VCF-style: chr4-122927711-T-C. GRCh37 (hg19) VCF-style: chr4-123848866-T-C.
Other names: c.238T>C, p.Cys80Arg (NM_001317799.2, NM_001345856.2); short protein forms C81R, C80R.
Identifiers: ClinVar variation 2114212 (VCV002114212.3), dbSNP rs2476769281, ClinGen allele CA358099349.